The following is an entry in ClinVar:

ClinVar aggregate classification (germline): Uncertain significance (1 of 4 stars; one submission).

Conditions:
Hearing loss, autosomal dominant 80. Also called: DEAFNESS, AUTOSOMAL DOMINANT 80. Identifiers: MedGen C5543289, MONDO:0030998, OMIM 619274.
Renal hypodysplasia/aplasia 3 (RHDA3). Identifiers: MedGen C4540497, MONDO:0024520, OMIM 617805.

Submission:

Juno Genomics, Hangzhou Juno Genomics, Inc
Classification: Uncertain significance for Hearing loss, autosomal dominant 80; Renal hypodysplasia/aplasia 3. Review status: criteria provided, single submitter. Criteria: ACMG Guidelines, 2015. Collection method: clinical testing. Allele origin: germline.
Comment: Absent from controls (or at extremely low frequency if recessive) in Genome Aggregation Database.;Missense variant in a gene that has a low rate of benign missense variation.

NM_001142966.3(GREB1L):c.5376C>A (p.Phe1792Leu)

Gene: GREB1L (GREB1 like retinoic acid receptor coactivator; plus strand). Cytogenetic location: 18q11.2.
Variant type: single nucleotide variant.
Coding change: c.5376C>A on transcript NM_001142966.3 (MANE Select); coding-DNA position 5376, C replaced by A.
Protein change: p.Phe1792Leu; replaces phenylalanine 1792 with leucine.
Molecular consequence: missense variant.
Genome position (GRCh38, 1-based): chr18:21,518,138, C>A. VCF-style: chr18-21518138-C-A. GRCh37 (hg19) VCF-style: chr18-19098099-C-A.
Other names: c.5505C>A, p.Phe1835Leu (NM_001410867.1); c.5049C>A, p.Phe1683Leu (NM_001410868.1); short protein forms F1683L, F1792L, F1835L.
Identifiers: ClinVar variation 5019642 (VCV005019642.2).